The following is an entry in ClinVar:

ClinVar aggregate classification (germline): Likely benign (0 of 4 stars; one submission).

Conditions:
COPB2-related disorder. Also called: COPB2-related condition.

Allele frequency attached by ClinVar (database versions not stated): gnomAD 0.00001; ExAC 0.00002; TOPMed 0.00002.
gnomAD v4.1: 9 of 1,589,696 alleles (0.00057%); highest among the groups gnomAD compares: Admixed American, 0.0018%; no homozygotes.

Submission:

PreventionGenetics, part of Exact Sciences
Classification: Likely benign for COPB2-related condition. Last evaluated: 2019-07-19. Review status: no assertion criteria provided. Collection method: clinical testing. Allele origin: germline.
Comment: This variant is classified as likely benign based on ACMG/AMP sequence variant interpretation guidelines (Richards et al. 2015 PMID: 25741868, with internal and published modifications).

NM_004766.3(COPB2):c.45T>G (p.Ser15=)

Gene: COPB2 (COPI coat complex subunit beta 2; minus strand). Cytogenetic location: 3q23.
Variant type: single nucleotide variant.
Coding change: c.45T>G on transcript NM_004766.3 (MANE Select); coding-DNA position 45, T replaced by G.
Protein change: p.Ser15=; no amino-acid change (serine 15 retained).
Molecular consequence: synonymous variant. On other transcripts: 5 prime UTR variant (1), non-coding transcript variant (1).
Genome position (GRCh38, 1-based): chr3:139,383,394, A>C on the plus strand (T>G on the coding strand, the complement: COPB2 is on the minus strand). VCF-style: chr3-139383394-A-C. GRCh37 (hg19) VCF-style: chr3-139102236-A-C.
Other names: c.-43T>G (NM_001410834.1).
Identifiers: ClinVar variation 3050004 (VCV003050004.2), dbSNP rs774396539, ClinGen allele CA2641636.
Genomic context (GRCh38, chr3:139,383,394, plus strand): 5'-GTAAAGACTTGCCAACATCCATGGCTCTGTAGGATGCAGATCCACACTCTTAACTCGATC[A>C]GATCTAGCAGTTAGCTTTCTTTTGATATCAAGTCGCAGAGGCTAAAAAGAAACATTAAAA-3'
Protein context (NP_004757.1, residues 5-25): LDIKRKLTAR[Ser15=]DRVKSVDLHP